The following is an entry in ClinVar:

ClinVar aggregate classification (germline): Conflicting classifications of pathogenicity. Review status: criteria provided, conflicting classifications (1 of 4 stars). 5 submissions from 5 submitters: Uncertain significance (3); Likely benign (2). Last evaluated 2025-12-02.

Conditions:
RYR1-related disorder. Also called: RYR1-related disorders; RYR1-related condition. Identifiers: MedGen CN239331.
Malignant hyperthermia, susceptibility to, 1 (MHS1). Also called: Anesthesia related hyperthermia; Malignant hyperpyrexia; Fulminating hyperpyrexia; Pharmacogenic myopathy; Malignant hyperthermia suceptibility 1; RYR1-Related Malignant Hyperthermia Susceptibility. Identifiers: Orphanet 423, MedGen C2930980, MONDO:0007783, OMIM 145600.

Allele frequency attached by ClinVar (database versions not stated): gnomAD 0.00001 and 0.00003; TOPMed 0.00004; gnomAD exomes 0.00014; 1000 Genomes Project 30x 0.00016; ExAC 0.00016; 1000 Genomes Project 0.00020.
gnomAD v4.1: 102 of 1,614,192 alleles (0.0063%); highest among the groups gnomAD compares: South Asian, 0.063%; 1 homozygote.

Submissions (5):

Labcorp Genetics (formerly Invitae), Labcorp
Classification: Likely benign for RYR1-related disorder. Last evaluated: 2025-12-02. Review status: criteria provided, single submitter. Criteria: Invitae Variant Classification Sherloc (09022015). Collection method: clinical testing. Allele origin: germline.

PreventionGenetics, part of Exact Sciences
Classification: Uncertain significance for RYR1-related condition. Last evaluated: 2025-10-27. Review status: criteria provided, single submitter. Criteria: ACMG Guidelines, 2015. Collection method: clinical testing. Allele origin: germline.
Comment: The RYR1 c.3431C>T variant is predicted to result in the amino acid substitution p.Pro1144Leu. This variant has been reported as a variant of uncertain significance in the ClinSeq exome cohort study (Supp. Digital Content 1, Gonsalves et al. 2013. PubMed ID: 24195946). This variant is reported in 0.091% of alleles in individuals of South Asian descent in gnomAD, which may be too frequent to be a primary cause of autosomal dominant disease. Although we suspect that this variant may be benign, at this time, the clinical significance of this variant is uncertain due to the absence of conclusive functional and genetic evidence.

Color Diagnostics, LLC DBA Color Health
Classification: Likely benign for Malignant hyperthermia, susceptibility to, 1. Last evaluated: 2023-01-05. Review status: criteria provided, single submitter. Criteria: ACMG Guidelines, 2015. Collection method: clinical testing. Allele origin: germline.

Blueprint Genetics
Classification: Uncertain significance. Last evaluated: 2022-10-18. Review status: criteria provided, single submitter. Criteria: ACMG Guidelines, 2015. Collection method: clinical testing. Allele origin: germline.

Biesecker Lab/Clinical Genomics Section, National Institutes of Health
Classification: Uncertain significance for Malignant hyperthermia, susceptibility to, 1. Last evaluated: 2013-07-01. Review status: criteria provided, single submitter. Criteria: Gonsalves et al. 2013. Collection method: research. Allele origin: unknown. Observed: 1 variant allele. Study: ClinSeq.
Comment: The study set was not selected for affection status in relation to any myopathy. Pathogenicity categories were based on literature curation. See Pubmed ID: 24195946 for details.

NM_000540.3(RYR1):c.3431C>T (p.Pro1144Leu)

Gene: RYR1 (ryanodine receptor 1; plus strand). Cytogenetic location: 19q13.2.
Variant type: single nucleotide variant.
Coding change: c.3431C>T on transcript NM_000540.3 (MANE Select); coding-DNA position 3431, C replaced by T.
Protein change: p.Pro1144Leu; replaces proline 1144 with leucine.
Molecular consequence: missense variant.
Genome position (GRCh38, 1-based): chr19:38,469,015, C>T. VCF-style: chr19-38469015-C-T. GRCh37 (hg19) VCF-style: chr19-38959655-C-T.
Other names: c.3431C>T, p.Pro1144Leu (NM_001042723.2); short protein forms P1144L.
Identifiers: ClinVar variation 224379 (VCV000224379.12), dbSNP rs201940876, ClinGen allele CA064831.